The following is an entry in ClinVar:

NM_014363.6(SACS):c.4149T>C (p.His1383=)

Gene: SACS (sacsin molecular chaperone; minus strand). Cytogenetic location: 13q12.12.
Variant type: single nucleotide variant.
Coding change: c.4149T>C on transcript NM_014363.6 (MANE Select); coding-DNA position 4149, T replaced by C.
Protein change: p.His1383=; no amino-acid change (histidine 1383 retained).
Molecular consequence: synonymous variant.
Genome position (GRCh38, 1-based): chr13:23,339,727, A>G on the plus strand (T>C on the coding strand, the complement: SACS is on the minus strand). VCF-style: chr13-23339727-A-G. GRCh37 (hg19) VCF-style: chr13-23913866-A-G.
Other names: c.3708T>C, p.His1236= (NM_001278055.2).
Identifiers: ClinVar variation 527980 (VCV000527980.7), dbSNP rs749219225, ClinGen allele CA6911426.

ClinVar aggregate classification (germline): Likely benign. Review status: criteria provided, multiple submitters, no conflicts (2 of 4 stars). 3 submissions from 3 submitters: Likely benign (2). 1 of the submissions does not count toward it. Last evaluated 2026-03-03.

Conditions:
SACS-related disorder. Also called: SACS-related condition.
Spastic paraplegia. Identifiers: MedGen C0037772, HP:0001258.
Charlevoix-Saguenay spastic ataxia (SACS). Also called: SPASTIC ATAXIA 6, AUTOSOMAL RECESSIVE; AUTOSOMAL RECESSIVE SPASTIC ATAXIA OF CHARLEVOIX-SAGUENAY; Spastic ataxia of Charlevoix-Saguenay. Identifiers: Orphanet 98, MedGen C1849140, MONDO:0010041, OMIM 270550.

Allele frequency attached by ClinVar (database versions not stated): gnomAD exomes below 0.00001 and 0.00003; ExAC 0.00001; gnomAD 0.00001; TOPMed 0.00002.
gnomAD v4.1: 45 of 1,614,030 alleles (0.0028%); highest among the groups gnomAD compares: Non-Finnish European, 0.0037%; no homozygotes.

Submissions (3):

PreventionGenetics, part of Exact Sciences
Classification: Likely benign for SACS-related condition. Last evaluated: 2026-03-03. Review status: criteria provided, single submitter. Criteria: ACMG Guidelines, 2015. Collection method: clinical testing. Allele origin: germline.
Comment: This variant is classified as likely benign based on ACMG/AMP sequence variant interpretation guidelines (Richards et al. 2015 PMID: 25741868, with internal and published modifications).

Labcorp Genetics (formerly Invitae), Labcorp
Classification: Likely benign for Spastic paraplegia. Last evaluated: 2024-10-15. Review status: criteria provided, single submitter. Criteria: Invitae Variant Classification Sherloc (09022015). Collection method: clinical testing. Allele origin: germline.

Natera, Inc.
Classification: Uncertain significance for Charlevoix-Saguenay type spastic ataxia. Last evaluated: 2020-01-12. Review status: no assertion criteria provided. Collection method: clinical testing. Allele origin: germline. Not counted in ClinVar's aggregate classification.